The following is an entry in ClinVar:

ClinVar aggregate classification (germline): Uncertain significance. Review status: criteria provided, multiple submitters, no conflicts (2 of 4 stars). 3 submissions from 3 submitters: Uncertain significance (3). Last evaluated 2025-08-27.

Conditions:
Hereditary cancer-predisposing syndrome. Also called: Tumor predisposition; Hereditary Cancer Syndrome; Neoplastic Syndromes, Hereditary; Hereditary neoplastic syndrome. Identifiers: Orphanet 140162, MedGen C0027672, MeSH D009386, MONDO:0015356.
Familial adenomatous polyposis 2. Also called: COLORECTAL ADENOMATOUS POLYPOSIS, AUTOSOMAL RECESSIVE; ADENOMAS, MULTIPLE COLORECTAL, AUTOSOMAL RECESSIVE; MYH-associated polyposis; FAP type 2; MUTYH-associated polyposis; MUTYH-related attenuated familial adenomatous polyposis. Identifiers: Orphanet 220460, Orphanet 247798, MedGen C3272841, MONDO:0012041, OMIM 608456.

gnomAD v4.1: 1 of 1,614,182 alleles (0.000062%); highest among the groups gnomAD compares: Middle Eastern, 0.016%; no homozygotes.

Submissions (3):

Ambry Genetics
Classification: Uncertain significance for Hereditary cancer-predisposing syndrome. Last evaluated: 2025-08-27. Review status: criteria provided, single submitter. Criteria: Ambry Variant Classification Scheme 2023. Collection method: clinical testing. Allele origin: germline.
Comment: The p.E313V variant (also known as c.938A>T), located in coding exon 11 of the MUTYH gene, results from an A to T substitution at nucleotide position 938. The glutamic acid at codon 313 is replaced by valine, an amino acid with dissimilar properties. This amino acid position is conserved. In addition, this alteration is predicted to be tolerated by in silico analysis. Based on the available evidence, the clinical significance of this variant remains unclear.

Labcorp Genetics (formerly Invitae), Labcorp
Classification: Uncertain significance for Familial adenomatous polyposis 2. Last evaluated: 2022-11-19. Review status: criteria provided, single submitter. Criteria: Invitae Variant Classification Sherloc (09022015). Collection method: clinical testing. Allele origin: germline.
Comment: Algorithms developed to predict the effect of missense changes on protein structure and function (SIFT, PolyPhen-2, Align-GVGD) all suggest that this variant is likely to be tolerated. ClinVar contains an entry for this variant (Variation ID: 975002). This variant has not been reported in the literature in individuals affected with MUTYH-related conditions. This variant is not present in population databases (gnomAD no frequency). This sequence change replaces glutamic acid, which is acidic and polar, with valine, which is neutral and non-polar, at codon 313 of the MUTYH protein (p.Glu313Val). In summary, the available evidence is currently insufficient to determine the role of this variant in disease. Therefore, it has been classified as a Variant of Uncertain Significance.

Women's Health and Genetics/Laboratory Corporation of America, LabCorp
Classification: Uncertain significance. Last evaluated: 2020-07-10. Review status: criteria provided, single submitter. Criteria: LabCorp Variant Classification Summary - May 2015. Collection method: clinical testing. Allele origin: germline.
Comment: Variant summary: MUTYH c.938A>T (p.Glu313Val) results in a non-conservative amino acid change in the encoded protein sequence. Four of five in-silico tools predict a benign effect of the variant on protein function. The variant was absent in 251466 control chromosomes (gnomAD). The available data on variant occurrences in the general population are insufficient to allow any conclusion about variant significance. To our knowledge, no occurrence of c.938A>T in individuals affected with MUTYH-Associated Polyposis and no experimental evidence demonstrating its impact on protein function have been reported. No clinical diagnostic laboratories have submitted clinical-significance assessments for this variant to ClinVar after 2014. Based on the evidence outlined above, the variant was classified as uncertain significance.

NM_001048174.2(MUTYH):c.854A>T (p.Glu285Val)

Gene: MUTYH (mutY DNA glycosylase; minus strand). Cytogenetic location: 1p34.1.
Variant type: single nucleotide variant.
Coding change: c.854A>T on transcript NM_001048174.2 (MANE Select); coding-DNA position 854, A replaced by T.
Protein change: p.Glu285Val; replaces glutamic acid 285 with valine.
Molecular consequence: missense variant. On other transcripts: non-coding transcript variant (2).
Genome position (GRCh38, 1-based): chr1:45,332,082, T>A on the plus strand (A>T on the coding strand, the complement: MUTYH is on the minus strand). VCF-style: chr1-45332082-T-A. GRCh37 (hg19) VCF-style: chr1-45797754-T-A.
Other names: c.854A>T, p.Glu285Val (NM_001048171.2, NM_001048173.2, NM_001293195.2); c.857A>T, p.Glu286Val (NM_001048172.2); c.938A>T, p.Glu313Val (NM_001128425.2); c.899A>T, p.Glu300Val (NM_001293190.2); c.887A>T, p.Glu296Val (NM_001293191.2); c.578A>T, p.Glu193Val (NM_001293192.2, NM_001293196.2); c.509A>T, p.Glu170Val (NM_001350650.2, NM_001350651.2); c.929A>T, p.Glu310Val (NM_012222.3); short protein forms E170V, E193V, E285V, E286V, E296V, E300V, E310V, E313V.
Identifiers: ClinVar variation 975002 (VCV000975002.7), dbSNP rs1644998333, ClinGen allele CA340134231.